The following is an entry in ClinVar:

NM_001365276.2(TNXB):c.9690C>A (p.Tyr3230Ter)

Gene: TNXB (tenascin XB; minus strand). Cytogenetic location: 6p21.33.
Variant type: single nucleotide variant.
Coding change: c.9690C>A on transcript NM_001365276.2 (MANE Select); coding-DNA position 9690, C replaced by A.
Protein change: p.Tyr3230Ter; replaces tyrosine 3230 with a stop codon.
Molecular consequence: nonsense.
Genome position (GRCh38, 1-based): chr6:32,049,337, G>T on the plus strand (C>A on the coding strand, the complement: TNXB is on the minus strand). VCF-style: chr6-32049337-G-T. GRCh37 (hg19) VCF-style: chr6-32017114-G-T.
Other names: c.10431C>A, p.Tyr3477Ter (NM_001428335.1); c.9684C>A, p.Tyr3228Ter (NM_019105.8); short protein forms Y3228*, Y3230*, Y3477*.
Identifiers: ClinVar variation 5014975 (VCV005014975.1).

ClinVar aggregate classification (germline): Pathogenic (1 of 4 stars; one submission).

Conditions:
Ehlers-Danlos syndrome due to tenascin-X deficiency (EDSCLL1). Also called: EDS DUE TO TNX DEFICIENCY; TNX DEFICIENCY; Ehlers-Danlos syndrome, classic-like, 1; EHLERS-DANLOS SYNDROME, CLASSIC-LIKE; TNXB-Related Classical-Like Ehlers-Danlos Syndrome. Identifiers: Orphanet 230839, MedGen C1848029, MONDO:0011670, OMIM 606408.

Submission:

Myriad Genetics, Inc.
Classification: Pathogenic for Ehlers-Danlos syndrome due to tenascin-X deficiency. Last evaluated: 2025-09-14. Review status: criteria provided, single submitter. Criteria: Myriad Autosomal Dominant, Autosomal Recessive and X-Linked Classification Criteria (2023). Collection method: clinical testing. Allele origin: unknown.
Comment: NM_019105.6(TNXB):c.9684C>A(Y3228*) is expected to be pathogenic in the context of classical-like Ehlers-Danlos syndrome, TNXB-related. This variant is predicted to lead to an abnormal or absent protein product due to the creation of a premature termination codon in TNXB, a gene where loss-of-function variants are known to be pathogenic. Please note: this variant was assessed in the context of healthy population screening.